The following is an entry in ClinVar:

ClinVar aggregate classification (germline): Pathogenic (1 of 4 stars; one submission).

Conditions:
Hepatic veno-occlusive disease-immunodeficiency syndrome. Also called: Hepatic Veno-Occlusive Disease with Immunodeficiency. Identifiers: Orphanet 79124, MedGen C1856128, MONDO:0009338, OMIM 235550. Disease mechanism: loss of function.

Submission:

Labcorp Genetics (formerly Invitae), Labcorp
Classification: Pathogenic for Hepatic veno-occlusive disease-immunodeficiency syndrome. Last evaluated: 2022-11-24. Review status: criteria provided, single submitter. Criteria: Invitae Variant Classification Sherloc (09022015). Collection method: clinical testing. Allele origin: germline.
Comment: For these reasons, this variant has been classified as Pathogenic. This variant has not been reported in the literature in individuals affected with SP110-related conditions. This variant is not present in population databases (gnomAD no frequency). This sequence change creates a premature translational stop signal (p.Tyr100Serfs*28) in the SP110 gene. It is expected to result in an absent or disrupted protein product. Loss-of-function variants in SP110 are known to be pathogenic (PMID: 16648851, 22621957).

Literature cited by the submitters: PubMed 16648851; PubMed 22621957.

NM_080424.4(SP110):c.299del (p.Tyr100fs)

Genes: SP140 (SP140 nuclear body protein; plus strand), SP110 (SP110 nuclear body protein; minus strand). Cytogenetic location: 2q37.1.
Variant type: Deletion.
Coding change: c.299del on transcript NM_080424.4 (MANE Select); coding-DNA position 299, one base deleted (A; older notation c.299delA).
Protein change: p.Tyr100fs; shifts the reading frame from tyrosine 100.
Molecular consequence: frameshift variant.
Genome position (GRCh38, 1-based): chr2:230,214,967, T deleted on the plus strand (A on the coding strand, the reverse complement: SP110 is on the minus strand). VCF-style (leftmost placement, unchanged base first): chr2-230214966-GT-G. GRCh37 (hg19) VCF-style: chr2-231079681-GT-G.
Other names: c.317del, p.Tyr106fs (NM_001378446.1, NM_001185015.2, NM_001378442.1 and 2 more transcripts); c.299del, p.Tyr100fs (NM_001378447.1, NM_004509.5, NM_004510.4 and 1 more transcripts); short protein forms Y100fs, Y106fs.
Identifiers: ClinVar variation 2816180 (VCV002816180.3), dbSNP rs2470068027, ClinGen allele CA2739279273.